The following is an entry in ClinVar:

NM_001267550.2(TTN):c.16060G>C (p.Asp5354His)

Gene: TTN (titin; minus strand). Cytogenetic location: 2q31.2.
Variant type: single nucleotide variant.
Coding change: c.16060G>C on transcript NM_001267550.2 (MANE Select); coding-DNA position 16060, G replaced by C.
Protein change: p.Asp5354His; replaces aspartic acid 5354 with histidine.
Molecular consequence: missense variant. On other transcripts: intron variant (3).
Genome position (GRCh38, 1-based): chr2:178,733,116, C>G on the plus strand (G>C on the coding strand, the complement: TTN is on the minus strand). VCF-style: chr2-178733116-C-G. GRCh37 (hg19) VCF-style: chr2-179597843-C-G.
Other names: c.16060G>C (NM_001267550.1); c.15109G>C, p.Asp5037His (NM_001256850.1); c.12328G>C, p.Asp4110His (NM_133378.4); c.13282+4966G>C (NM_003319.4); c.13858+4966G>C (NM_133437.4); c.13657+4966G>C (NM_133432.3); short protein forms D4110H, D5354H, D5037H.
Identifiers: ClinVar variation 332929 (VCV000332929.13), dbSNP rs745578038, ClinGen allele CA2002096.

ClinVar aggregate classification (germline): Uncertain significance. Review status: criteria provided, multiple submitters, no conflicts (2 of 4 stars). 9 submissions from 5 submitters: Uncertain significance (9). Last evaluated 2026-08-03.

Conditions:
Early-onset myopathy with fatal cardiomyopathy (CMYO5). Also called: Salih Myopathy; CONGENITAL MYOPATHY 5 WITH CARDIOMYOPATHY. Identifiers: Orphanet 289377, MedGen C2673677, MONDO:0012714, OMIM 611705. Disease mechanism: loss of function.
Tibial muscular dystrophy (TMD). Also called: UDD MYOPATHY; Tibial muscular dystrophy, tardive; Udd Distal Myopathy – Tibial Muscular Dystrophy. Identifiers: Orphanet 609, MedGen C1838244, MONDO:0010870, OMIM 600334.
Dilated cardiomyopathy 1G (CMD1G). Identifiers: Orphanet 154, MedGen C1858763, MONDO:0011400, OMIM 604145.
Autosomal recessive limb-girdle muscular dystrophy type 2J (LGMDR10). Also called: Limb-girdle muscular dystrophy, type 2J; MUSCULAR DYSTROPHY, LIMB-GIRDLE, AUTOSOMAL RECESSIVE 10. Identifiers: Orphanet 140922, MedGen C1837342, MONDO:0012127, OMIM 608807.
TTN-related disorder. Also called: TTN-related disorders; TTN-related condition; TTN-related disease.
Myopathy, myofibrillar, 9, with early respiratory failure (MFM9). Also called: MYOPATHY, PROXIMAL, WITH EARLY RESPIRATORY MUSCLE INVOLVEMENT; Hereditary myopathy with early respiratory failure; Myopathy, distal, with early respiratory failure, autosomal dominant; EDSTROM MYOPATHY. Identifiers: Orphanet 178464, Orphanet 34521, MedGen C1863599, MONDO:0011362, OMIM 603689.

Allele frequency attached by ClinVar (database versions not stated): gnomAD exomes below 0.00001 and 0.00001; ExAC 0.00001; TOPMed 0.00006; gnomAD 0.00008 and 0.00009.
gnomAD v4.1: 27 of 1,588,748 alleles (0.0017%); highest among the groups gnomAD compares: African/African-American, 0.011%; no homozygotes.

Submissions (9):

PreventionGenetics, part of Exact Sciences
Classification: Uncertain significance for TTN-related condition. Last evaluated: 2026-08-03. Review status: criteria provided, single submitter. Criteria: ACMG Guidelines, 2015. Collection method: clinical testing. Allele origin: germline.
Comment: The TTN c.16060G>C variant is predicted to result in the amino acid substitution p.Asp5354His. To our knowledge, this variant has not been reported in the literature. This variant is reported in 0.0042% of alleles in individuals of African descent in gnomAD. At this time, the clinical significance of this variant is uncertain due to the absence of conclusive functional and genetic evidence.

GeneDx
Classification: Uncertain significance. Last evaluated: 2023-03-05. Review status: criteria provided, single submitter. Criteria: GeneDx Variant Classification Process June 2021. Collection method: clinical testing. Allele origin: germline. Affected: yes.
Comment: Not observed at significant frequency in large population cohorts (gnomAD); Missense variant in a gene in which most reported pathogenic variants are truncating/loss of function; Located in a region of TTN within the I-band in which the majority of loss of function variants are significantly associated with autosomal dominant titinopathies (Deo et al., 2016; Schafer et al., 2017); Has not been previously published as pathogenic or benign to our knowledge; This variant is associated with the following publications: (PMID: 23975875)

Revvity Omics, Revvity
Classification: Uncertain significance. Last evaluated: 2022-05-19. Review status: criteria provided, single submitter. Criteria: ACMG Guidelines, 2015. Collection method: clinical testing. Allele origin: germline.

Baylor Genetics
Classification: Uncertain significance for Autosomal recessive limb-girdle muscular dystrophy type 2J. Last evaluated: 2020-03-26. Review status: criteria provided, single submitter. Criteria: ACMG Guidelines, 2015. Collection method: clinical testing. Allele origin: unknown. Affected: yes.
Comment: This variant was determined to be of uncertain significance according to ACMG Guidelines, 2015 [PMID:25741868].

Illumina Laboratory Services, Illumina
Classification: Uncertain significance for Tibial muscular dystrophy. Last evaluated: 2018-01-12. Review status: criteria provided, single submitter. Criteria: ICSL Variant Classification Criteria 13 December 2019. Collection method: clinical testing. Allele origin: germline.

Illumina Laboratory Services, Illumina
Classification: Uncertain significance for Dilated cardiomyopathy 1G. Last evaluated: 2018-01-12. Review status: criteria provided, single submitter. Criteria: ICSL Variant Classification Criteria 13 December 2019. Collection method: clinical testing. Allele origin: germline.

Illumina Laboratory Services, Illumina
Classification: Uncertain significance for Autosomal recessive limb-girdle muscular dystrophy type 2J. Last evaluated: 2018-01-12. Review status: criteria provided, single submitter. Criteria: ICSL Variant Classification Criteria 13 December 2019. Collection method: clinical testing. Allele origin: germline.

Illumina Laboratory Services, Illumina
Classification: Uncertain significance for Myopathy, myofibrillar, 9, with early respiratory failure. Last evaluated: 2018-01-12. Review status: criteria provided, single submitter. Criteria: ICSL Variant Classification Criteria 13 December 2019. Collection method: clinical testing. Allele origin: germline.

Illumina Laboratory Services, Illumina
Classification: Uncertain significance for Early-onset myopathy with fatal cardiomyopathy. Last evaluated: 2018-01-12. Review status: criteria provided, single submitter. Criteria: ICSL Variant Classification Criteria 13 December 2019. Collection method: clinical testing. Allele origin: germline.